The following is an entry in ClinVar:

NM_000368.5(TSC1):c.509-13G>T

Gene: TSC1 (TSC complex subunit 1; minus strand). Cytogenetic location: 9q34.13.
Variant type: single nucleotide variant.
Coding change: c.509-13G>T on transcript NM_000368.5 (MANE Select); 13 bases into the intron before coding-DNA position 509, G replaced by T.
Molecular consequence: intron variant.
Genome position (GRCh38, 1-based): chr9:132,921,986, C>A on the plus strand (G>T on the coding strand, the complement: TSC1 is on the minus strand). VCF-style: chr9-132921986-C-A. GRCh37 (hg19) VCF-style: chr9-135797373-C-A.
Other names: c.146-13G>T (NM_001406620.1, NM_001406618.1, NM_001406625.1 and 10 more transcripts); c.356-13G>T (NM_001406613.1, NM_001406612.1, NM_001406610.1 and 2 more transcripts); c.-369-13G>T (NM_001406627.1, NM_001406628.1, NM_001406626.1); c.-511-13G>T (NM_001406629.1); c.509-13G>T (NM_001406603.1, NM_001406609.1, NM_001406597.1 and 16 more transcripts); c.-585-13G>T (NM_001406630.1).
Identifiers: ClinVar variation 3690038 (VCV003690038.3).

ClinVar aggregate classification (germline): Likely benign. Review status: criteria provided, multiple submitters, no conflicts (2 of 4 stars). 2 submissions from 2 submitters: Likely benign (2). Last evaluated 2025-04-08.

Conditions:
Tuberous sclerosis 1 (TSC1). Identifiers: Orphanet 805, MedGen C1854465, MONDO:0008612, OMIM 191100.

Submissions (2):

Myriad Genetics, Inc.
Classification: Likely benign for Tuberous sclerosis 1. Last evaluated: 2025-04-08. Review status: criteria provided, single submitter. Criteria: Myriad Autosomal Dominant, Autosomal Recessive and X-Linked Classification Criteria (2023). Collection method: clinical testing. Allele origin: unknown.
Comment: This variant is considered likely benign. This variant is intronic and is not expected to impact mRNA splicing.

Labcorp Genetics (formerly Invitae), Labcorp
Classification: Likely benign for Tuberous sclerosis 1. Last evaluated: 2024-03-29. Review status: criteria provided, single submitter. Criteria: Invitae Variant Classification Sherloc (09022015). Collection method: clinical testing. Allele origin: germline.